The following is an entry in ClinVar:

ClinVar aggregate classification (germline): Uncertain significance. Review status: criteria provided, multiple submitters, no conflicts (2 of 4 stars). 2 submissions from 2 submitters: Uncertain significance (2). Last evaluated 2025-03-04.

Conditions:
Cardiovascular phenotype. Identifiers: MedGen CN230736.

Allele frequency attached by ClinVar (database versions not stated): gnomAD 0.00001; gnomAD exomes 0.00001; TOPMed 0.00001; ExAC 0.00004.
gnomAD v4.1: 6 of 1,576,856 alleles (0.00038%); highest among the groups gnomAD compares: East Asian, 0.011%; no homozygotes.

Submissions (2):

Ambry Genetics
Classification: Uncertain significance for Cardiovascular phenotype. Last evaluated: 2025-03-04. Review status: criteria provided, single submitter. Criteria: Ambry Variant Classification Scheme 2023. Collection method: clinical testing. Allele origin: germline.
Comment: The p.E1145D variant (also known as c.3435G>T), located in coding exon 6 of the ALPK3 gene, results from a G to T substitution at nucleotide position 3435. The glutamic acid at codon 1145 is replaced by aspartic acid, an amino acid with highly similar properties. This amino acid position is conserved. In addition, this alteration is predicted to be tolerated by in silico analysis. Based on the available evidence, the clinical significance of this variant remains unclear.

Labcorp Genetics (formerly Invitae), Labcorp
Classification: Uncertain significance. Last evaluated: 2022-04-16. Review status: criteria provided, single submitter. Criteria: Invitae Variant Classification Sherloc (09022015). Collection method: clinical testing. Allele origin: germline.
Comment: In summary, the available evidence is currently insufficient to determine the role of this variant in disease. Therefore, it has been classified as a Variant of Uncertain Significance. Algorithms developed to predict the effect of missense changes on protein structure and function output the following: SIFT: "Tolerated"; PolyPhen-2: "Benign"; Align-GVGD: "Class C0". The aspartic acid amino acid residue is found in multiple mammalian species, which suggests that this missense change does not adversely affect protein function. This variant has not been reported in the literature in individuals affected with ALPK3-related conditions. This variant is present in population databases (rs769309717, gnomAD 0.05%). This sequence change replaces glutamic acid, which is acidic and polar, with aspartic acid, which is acidic and polar, at codon 1145 of the ALPK3 protein (p.Glu1145Asp).

NM_020778.5(ALPK3):c.2829G>T (p.Glu943Asp)

Gene: ALPK3 (alpha kinase 3; plus strand). Cytogenetic location: 15q25.3.
Variant type: single nucleotide variant.
Coding change: c.2829G>T on transcript NM_020778.5 (MANE Select); coding-DNA position 2829, G replaced by T.
Protein change: p.Glu943Asp; replaces glutamic acid 943 with aspartic acid.
Molecular consequence: missense variant.
Genome position (GRCh38, 1-based): chr15:84,857,567, G>T. VCF-style: chr15-84857567-G-T. GRCh37 (hg19) VCF-style: chr15-85400798-G-T.
Other names: c.3435G>T (NM_020778.4); short protein forms E943D.
Identifiers: ClinVar variation 2168589 (VCV002168589.5), dbSNP rs769309717, ClinGen allele CA7709502.